The following is an entry in ClinVar:

NM_144666.3(DNHD1):c.9201C>T (p.Pro3067=)

Gene: DNHD1 (dynein heavy chain domain 1; plus strand). Cytogenetic location: 11p15.4.
Variant type: single nucleotide variant.
Coding change: c.9201C>T on transcript NM_144666.3 (MANE Select); coding-DNA position 9201, C replaced by T.
Protein change: p.Pro3067=; no amino-acid change (proline 3067 retained).
Molecular consequence: synonymous variant.
Genome position (GRCh38, 1-based): chr11:6,558,683, C>T. VCF-style: chr11-6558683-C-T. GRCh37 (hg19) VCF-style: chr11-6579913-C-T.
Identifiers: ClinVar variation 3388488 (VCV003388488.14).

ClinVar aggregate classification (germline): Likely benign (1 of 4 stars; one submission).

gnomAD v4.1: 188 of 1,549,952 alleles (0.012%); highest among the groups gnomAD compares: Middle Eastern, 0.083%; 1 homozygote.

Submission:

CeGaT Center for Human Genetics Tuebingen
Classification: Likely benign. Last evaluated: 2024-11-01. Review status: criteria provided, single submitter. Criteria: CeGaT Center For Human Genetics Tuebingen Variant Classification Criteria Version 2. Collection method: clinical testing. Allele origin: germline. Affected: yes. Observed: 1 variant allele.
Comment: DNHD1: BP4, BP7